The following is an entry in ClinVar:

ClinVar aggregate classification (germline): Uncertain significance (1 of 4 stars; one submission).

Allele frequency attached by ClinVar (database versions not stated): gnomAD exomes below 0.00001; ExAC 0.00001.
gnomAD v4.1: 1 of 1,614,112 alleles (0.000062%); highest among the groups gnomAD compares: East Asian, 0.0022%; no homozygotes.

Submission:

Labcorp Genetics (formerly Invitae), Labcorp
Classification: Uncertain significance. Last evaluated: 2021-12-28. Review status: criteria provided, single submitter. Criteria: Invitae Variant Classification Sherloc (09022015). Collection method: clinical testing. Allele origin: germline.
Comment: Algorithms developed to predict the effect of missense changes on protein structure and function are either unavailable or do not agree on the potential impact of this missense change (SIFT: "Deleterious"; PolyPhen-2: "Possibly Damaging"; Align-GVGD: "Class C0"). In summary, the available evidence is currently insufficient to determine the role of this variant in disease. Therefore, it has been classified as a Variant of Uncertain Significance. This variant has not been reported in the literature in individuals affected with DGUOK-related conditions. This sequence change replaces methionine, which is neutral and non-polar, with isoleucine, which is neutral and non-polar, at codon 99 of the DGUOK protein (p.Met99Ile). This variant is present in population databases (rs777348606, gnomAD 0.006%).

NM_080916.3(DGUOK):c.297G>A (p.Met99Ile)

Gene: DGUOK (deoxyguanosine kinase; plus strand). Cytogenetic location: 2p13.1.
Variant type: single nucleotide variant.
Coding change: c.297G>A on transcript NM_080916.3 (MANE Select); coding-DNA position 297, G replaced by A.
Protein change: p.Met99Ile; replaces methionine 99 with isoleucine.
Molecular consequence: missense variant. On other transcripts: non-coding transcript variant (5).
Genome position (GRCh38, 1-based): chr2:73,946,760, G>A. VCF-style: chr2-73946760-G-A. GRCh37 (hg19) VCF-style: chr2-74173887-G-A.
Other names: c.297G>A, p.Met99Ile (NM_001318859.2, NM_080918.3); c.6G>A, p.Met2Ile (NM_001318860.2, NM_001318861.2, NM_001318862.2 and 1 more transcripts); short protein forms M2I, M99I.
Identifiers: ClinVar variation 1953513 (VCV001953513.5), dbSNP rs777348606, ClinGen allele CA1718226.